The following is an entry in ClinVar:

NM_000093.5(COL5A1):c.5281G>A (p.Asp1761Asn)

Genes: COL5A1 (collagen type V alpha 1 chain; plus strand), LOC101448202 (uncharacterized LOC101448202; minus strand). Cytogenetic location: 9q34.3.
Variant type: single nucleotide variant.
Coding change: c.5281G>A on transcript NM_000093.5 (MANE Select); coding-DNA position 5281, G replaced by A.
Protein change: p.Asp1761Asn; replaces aspartic acid 1761 with asparagine.
Molecular consequence: missense variant.
Genome position (GRCh38, 1-based): chr9:134,835,115, G>A. VCF-style: chr9-134835115-G-A. GRCh37 (hg19) VCF-style: chr9-137726961-G-A.
Other names: c.5281G>A, p.Asp1761Asn (NM_001278074.1); short protein forms D1761N.
Identifiers: ClinVar variation 1213424 (VCV001213424.9), dbSNP rs773055539, ClinGen allele CA5320681.

ClinVar aggregate classification (germline): Conflicting classifications of pathogenicity. Review status: criteria provided, conflicting classifications (1 of 4 stars). 2 submissions from 2 submitters: Uncertain significance (1); Likely benign (1). Last evaluated 2024-02-01.

Conditions:
Ehlers-Danlos syndrome, classic type, 1 (EDSCL1). Also called: EHLERS-DANLOS SYNDROME, GRAVIS TYPE; EHLERS-DANLOS SYNDROME, SEVERE CLASSIC TYPE; Ehlers-Danlos syndrome, type 1; Ehlers-Danlos Syndrome, Classic Type, COL5A1-Related; EDS I. Identifiers: MedGen C0268335, MONDO:0019567, OMIM 130000.

Allele frequency attached by ClinVar (database versions not stated): TOPMed 0.00001; ExAC 0.00002; gnomAD 0.00002.
gnomAD v4.1: 8 of 1,613,698 alleles (0.0005%); highest among the groups gnomAD compares: Admixed American, 0.0033%; no homozygotes.

Submissions (2):

Labcorp Genetics (formerly Invitae), Labcorp
Classification: Likely benign for Ehlers-Danlos syndrome, classic type, 1. Last evaluated: 2024-02-01. Review status: criteria provided, single submitter. Criteria: Invitae Variant Classification Sherloc (09022015). Collection method: clinical testing. Allele origin: germline.

GeneDx
Classification: Uncertain significance. Last evaluated: 2020-02-21. Review status: criteria provided, single submitter. Criteria: GeneDx Variant Classification Process June 2021. Collection method: clinical testing. Allele origin: germline. Affected: yes.
Comment: Has not been previously published as pathogenic or benign to our knowledge; Not observed at a significant frequency in large population cohorts (Lek et al., 2016); In silico analysis supports that this missense variant does not alter protein structure/function; Not located in the triple helical region, where the majority of pathogenic missense variants occur (Symoens et al., 2012; Stenson et al., 2014)